The following is an entry in ClinVar:

NM_004006.3(DMD):c.4538_4541del (p.Ser1513fs)

Gene: DMD (dystrophin; minus strand). Cytogenetic location: Xp21.1.
Variant type: Deletion.
Coding change: c.4538_4541del on transcript NM_004006.3 (MANE Select); coding-DNA positions 4538 to 4541, 4 bases deleted (GTGA; older notation c.4538_4541delGTGA).
Protein change: p.Ser1513fs; shifts the reading frame from serine 1513.
Molecular consequence: frameshift variant.
Genome position (GRCh38, 1-based): chrX:32,386,443-32,386,446, TCAC deleted on the plus strand (GTGA on the coding strand, the reverse complement: DMD is on the minus strand); deleting any 4 consecutive bases within chrX:32,386,443-32,386,449 gives the same sequence; the c. name uses the placement nearest the transcript's 3' end. VCF-style (leftmost placement, unchanged base first): chrX-32386442-TTCAC-T. GRCh37 (hg19) VCF-style: chrX-32404559-TTCAC-T.
Other names: c.4538_4541delGTGA (NM_004006.2); c.4514_4517del, p.Ser1505fs (NM_000109.4); c.4526_4529del, p.Ser1509fs (NM_004009.3); c.4169_4172del, p.Ser1390fs (NM_004010.3); c.515_518del, p.Ser172fs (NM_004011.4); c.506_509del, p.Ser169fs (NM_004012.4); c.4538_4541del (NM_004006.2); short protein forms S1505fs, S1513fs, S1390fs, S1509fs, S169fs, S172fs.
Identifiers: ClinVar variation 418861 (VCV000418861.11), dbSNP rs1064793479, ClinGen allele CA16621362.

ClinVar aggregate classification (germline): Pathogenic. Review status: criteria provided, multiple submitters, no conflicts (2 of 4 stars). 4 submissions from 4 submitters: Pathogenic (4). Last evaluated 2025-10-07.

Conditions:
Becker muscular dystrophy, Cardiomyopathy, Duchenne muscular dystrophy, Dystrophin deficiency.
Duchenne muscular dystrophy (DMD). Also called: MUSCULAR DYSTROPHY, PSEUDOHYPERTROPHIC PROGRESSIVE, DUCHENNE TYPE; Duchenne Muscular Dystrophy (DMD). Identifiers: Orphanet 98896, MedGen C0013264, MONDO:0010679, OMIM 310200.

Submissions (4):

Natera, Inc.
Classification: Pathogenic for Becker muscular dystrophy, Cardiomyopathy, Duchenne muscular dystrophy, Dystrophin deficiency. Last evaluated: 2025-10-07. Review status: criteria provided, single submitter. Criteria: Natera Variant Classification Schema (03/2026). Collection method: clinical testing. Allele origin: germline.
Comment: The c.4538_4541del variant in DMD is a frameshift variant predicted to shift the reading frame beginning at codon 1513 and leads to a stop codon 2 codons downstream. This variant is expected to result in nonsense mediated decay, truncation, or a dysfunctional protein product. This variant is rare in the general population with a frequency below the threshold expected for the associated phenotype(s). This variant has been observed in affected individual(s) with monoallelic occurrence (heterozygous/hemizygous) (PMID: 23299919). Given the available evidence, this variant is classified as Pathogenic.

Laboratory of Medical Genetics, National & Kapodistrian University of Athens
Classification: Pathogenic for Duchenne muscular dystrophy. Last evaluated: 2022-12-16. Review status: criteria provided, single submitter. Criteria: ACMG Guidelines, 2015. Collection method: clinical testing. Allele origin: germline. Affected: yes.
Comment: PVS1, PM2, PP5

ARUP Laboratories, Molecular Genetics and Genomics, ARUP Laboratories
Classification: Pathogenic. Last evaluated: 2018-03-15. Review status: criteria provided, single submitter. Criteria: ARUP Molecular Germline Variant Investigation Process. Collection method: clinical testing. Allele origin: germline.
Comment: The DMD c.4538_4541delGTGA; p.Ser1513fs variant has been reported at least twice in the medical literature: once as a maternally inherited variant in a DMD patient with reduced dystrophin protein expression (Mercier 2013) and once as an apparently de novo variant in a prenatal DMD screen (Wang 2017). This variant is classified as pathogenic in ClinVar (Variation ID: 418861) and is absent from general population databases (1000 Genomes Project, Exome Variant Server, and Genome Aggregation Database). This variant causes a frameshift by deleting 4 nucleotides, resulting in a premature termination codon, and is predicted to result in a truncated protein or mRNA subject to nonsense-mediated decay. Based on the available information, this variant is considered pathogenic.

GeneDx
Classification: Pathogenic. Last evaluated: 2015-04-14. Review status: criteria provided, single submitter. Criteria: GeneDx Variant Classification (06012015). Collection method: clinical testing. Allele origin: germline. Affected: yes.
Comment: Muscle histology indicated a severe muscular dystrophy and no dystrophin protein wasidentified on Western blot (Mercier et al., 2013). The deletion causes a frameshift starting with codonSerine 1513, changes this amino acid to a Lysine residue and creates a premature Stop codon at position 2of the new reading frame, denoted p.Ser1513LysfsX2. This deletion is predicted to cause loss of normalprotein function either through protein truncation or nonsense-mediated mRNA decay. Furthermore, thec.4538_4541delGTGA variant was not observed in approximately 6,500 individuals of European andAfrican American ancestry in the NHLBI Exome Sequencing Project, indicating it is not a common benignvariant in these populations. Therefore, we interpret this variant as pathogenic.

Literature cited by the submitters: PubMed 23299919 (cited by Natera, Inc.); PubMed 28181689 (cited by Laboratory of Medical Genetics, National & Kapodistrian University of Athens).